The following is an entry in ClinVar:

ClinVar aggregate classification (germline): Likely benign. Review status: criteria provided, multiple submitters, no conflicts (2 of 4 stars). 4 submissions from 4 submitters: Likely benign (4). Last evaluated 2025-12-06.

Conditions:
COL11A1-related disorder. Also called: COL11A1-related disorders; COL11A1-related condition.

Allele frequency attached by ClinVar (database versions not stated): gnomAD exomes 0.00001; ExAC 0.00002; TOPMed 0.00002; gnomAD 0.00003 and 0.00005.
gnomAD v4.1: 28 of 1,612,316 alleles (0.0017%); highest among the groups gnomAD compares: South Asian, 0.0077%; no homozygotes.

Submissions (4):

Labcorp Genetics (formerly Invitae), Labcorp
Classification: Likely benign. Last evaluated: 2025-12-06. Review status: criteria provided, single submitter. Criteria: Invitae Variant Classification Sherloc (09022015). Collection method: clinical testing. Allele origin: germline.

CeGaT Center for Human Genetics Tuebingen
Classification: Likely benign. Last evaluated: 2025-02-01. Review status: criteria provided, single submitter. Criteria: CeGaT Center For Human Genetics Tuebingen Variant Classification Criteria Version 2. Collection method: clinical testing. Allele origin: germline. Affected: yes. Observed: 1 variant allele.
Comment: COL11A1: BP4, BP7

PreventionGenetics, part of Exact Sciences
Classification: Likely benign for COL11A1-related condition. Last evaluated: 2024-11-26. Review status: criteria provided, single submitter. Criteria: ACMG Guidelines, 2015. Collection method: clinical testing. Allele origin: germline.
Comment: This variant is classified as likely benign based on ACMG/AMP sequence variant interpretation guidelines (Richards et al. 2015 PMID: 25741868, with internal and published modifications).

Blueprint Genetics
Classification: Likely benign. Last evaluated: 2022-11-17. Review status: criteria provided, single submitter. Criteria: ACMG Guidelines, 2015. Collection method: clinical testing. Allele origin: germline.

NM_001854.4(COL11A1):c.2859G>A (p.Glu953=)

Gene: COL11A1 (collagen type XI alpha 1 chain; minus strand). Cytogenetic location: 1p21.1.
Variant type: single nucleotide variant.
Coding change: c.2859G>A on transcript NM_001854.4 (MANE Select); coding-DNA position 2859, G replaced by A.
Protein change: p.Glu953=; no amino-acid change (glutamic acid 953 retained).
Molecular consequence: synonymous variant. On other transcripts: non-coding transcript variant (1).
Genome position (GRCh38, 1-based): chr1:102,970,222, C>T on the plus strand (G>A on the coding strand, the complement: COL11A1 is on the minus strand). VCF-style: chr1-102970222-C-T. GRCh37 (hg19) VCF-style: chr1-103435778-C-T.
Other names: c.2742G>A, p.Glu914= (NM_001190709.2); c.2895G>A, p.Glu965= (NM_080629.3); c.2511G>A, p.Glu837= (NM_080630.4); c.2859G>A (NM_001854.3).
Identifiers: ClinVar variation 1613904 (VCV001613904.23), dbSNP rs758201913, ClinGen allele CA974252.
Genomic context (GRCh38, chr1:102,970,222, plus strand): 5'-TGAACTGATGAGGTGCTAGAGATGGAAATTTTTAATAAGAGTAACAAGGTCACTTACAGT[C>T]TCCCCACGTTGCCCAGGGTGTCCTGGCAGCCCATCCTTCCCAGGTGGTCCCTGAAATTAC-3'
Protein context (NP_001845.3, residues 943-963): GLPGHPGQRG[Glu953=]TGFQGKTGPP